The following is an entry in ClinVar:

ClinVar aggregate classification (germline): Uncertain significance (1 of 4 stars; one submission).

Conditions:
Hereditary cancer-predisposing syndrome. Also called: Hereditary Cancer Syndrome; Tumor predisposition; Hereditary neoplastic syndrome; Neoplastic Syndromes, Hereditary. Identifiers: Orphanet 140162, MedGen C0027672, MeSH D009386, MONDO:0015356.

Submission:

Ambry Genetics
Classification: Uncertain significance for Hereditary cancer-predisposing syndrome. Last evaluated: 2024-11-11. Review status: criteria provided, single submitter. Criteria: Ambry Variant Classification Scheme 2023. Collection method: clinical testing. Allele origin: germline.
Comment: The p.L528F variant (also known as c.1584A>T), located in coding exon 11 of the NBN gene, results from an A to T substitution at nucleotide position 1584. The leucine at codon 528 is replaced by phenylalanine, an amino acid with highly similar properties. This amino acid position is conserved. In addition, this alteration is predicted to be tolerated by in silico analysis. Based on the available evidence, the clinical significance of this variant remains unclear.

NM_002485.5(NBN):c.1584A>T (p.Leu528Phe)

Gene: NBN (nibrin; minus strand). Cytogenetic location: 8q21.3.
Variant type: single nucleotide variant.
Coding change: c.1584A>T on transcript NM_002485.5 (MANE Select); coding-DNA position 1584, A replaced by T.
Protein change: p.Leu528Phe; replaces leucine 528 with phenylalanine.
Molecular consequence: missense variant.
Genome position (GRCh38, 1-based): chr8:89,953,505, T>A on the plus strand (A>T on the coding strand, the complement: NBN is on the minus strand). VCF-style: chr8-89953505-T-A. GRCh37 (hg19) VCF-style: chr8-90965733-T-A.
Other names: c.1338A>T, p.Leu446Phe (NM_001024688.3); short protein forms L446F, L528F.
Identifiers: ClinVar variation 3403077 (VCV003403077.1).